The following is an entry in ClinVar:

ClinVar aggregate classification (germline): Benign. Review status: criteria provided, multiple submitters, no conflicts (2 of 4 stars). 2 submissions from 2 submitters: Benign (2). Last evaluated 2018-06-19.

Allele frequency attached by ClinVar (database versions not stated): gnomAD exomes 0.14365; 1000 Genomes Project 30x 0.08073; 1000 Genomes Project 0.07808; gnomAD 0.11247 and 0.11127; TOPMed 0.10551.
gnomAD v4.1: 215,117 of 1,536,726 alleles (14%); highest among the groups gnomAD compares: Middle Eastern, 16%; 16,300 homozygotes.

Submissions (2):

GeneDx
Classification: Benign. Last evaluated: 2018-06-19. Review status: criteria provided, single submitter. Criteria: GeneDx Variant Classification (06012015). Collection method: clinical testing. Allele origin: germline. Affected: yes.
Comment: This variant is considered likely benign or benign based on one or more of the following criteria: it is a conservative change, it occurs at a poorly conserved position in the protein, it is predicted to be benign by multiple in silico algorithms, and/or has population frequency not consistent with disease.

Breakthrough Genomics
Classification: Benign. Review status: criteria provided, single submitter. Criteria: ACMG Guidelines, 2015. Collection method: not provided. Allele origin: germline. Inheritance: Autosomal recessive inheritance. Affected: yes.

NM_000153.3(GALC):c.-148T>C

Gene: GALC (galactosylceramidase; minus strand). Cytogenetic location: 14q31.3.
Variant type: single nucleotide variant.
Coding change: c.-148T>C on transcript NM_000153.3; 148 bases upstream of the start codon, T replaced by C.
Molecular consequence: intron variant (on NM_001424076.1).
Genome position (GRCh38, 1-based): chr14:87,993,312, A>G on the plus strand (T>C on the coding strand, the complement: GALC is on the minus strand). VCF-style: chr14-87993312-A-G. GRCh37 (hg19) VCF-style: chr14-88459656-A-G.
Other names: c.-473+71T>C (NM_001424076.1); c.117+71T>C (NM_001201402.2).
Identifiers: ClinVar variation 681811 (VCV000681811.4), dbSNP rs76999174, ClinGen allele CA13997403.